The following is an entry in ClinVar:

NM_022772.4(EPS8L2):c.1704del (p.Ala569fs)

Gene: EPS8L2 (EPS8 signaling adaptor L2; plus strand). Cytogenetic location: 11p15.5.
Variant type: Deletion.
Coding change: c.1704del on transcript NM_022772.4 (MANE Select); coding-DNA position 1704, one base deleted (C; older notation c.1704delC).
Protein change: p.Ala569fs; shifts the reading frame from alanine 569.
Molecular consequence: frameshift variant.
Genome position (GRCh38, 1-based): chr11:726,121, C deleted; the last of 4 consecutive C bases (chr11:726,118-726,121); deleting any one gives the same sequence. VCF-style (leftmost placement, unchanged base first): chr11-726117-GC-G. GRCh37 (hg19) VCF-style: chr11-726117-GC-G.
Other names: short protein forms A569fs.
Identifiers: ClinVar variation 2819321 (VCV002819321.3), dbSNP rs1862310921, ClinGen allele CA1947279788.

ClinVar aggregate classification (germline): Pathogenic (1 of 4 stars; one submission).

Submission:

Labcorp Genetics (formerly Invitae), Labcorp
Classification: Pathogenic. Last evaluated: 2022-12-07. Review status: criteria provided, single submitter. Criteria: Invitae Variant Classification Sherloc (09022015). Collection method: clinical testing. Allele origin: germline.
Comment: This sequence change creates a premature translational stop signal (p.Ala569Profs*52) in the EPS8L2 gene. It is expected to result in an absent or disrupted protein product. Loss-of-function variants in EPS8L2 are known to be pathogenic (PMID: 26282398, 28281779). For these reasons, this variant has been classified as Pathogenic. This variant has not been reported in the literature in individuals affected with EPS8L2-related conditions. This variant is not present in population databases (gnomAD no frequency).

Literature cited by the submitters: PubMed 26282398; PubMed 28281779.